The following is an entry in ClinVar:

ClinVar aggregate classification (germline): Uncertain significance. Review status: criteria provided, multiple submitters, no conflicts (2 of 4 stars). 3 submissions from 3 submitters: Uncertain significance (3). Last evaluated 2025-05-12.

Conditions:
Cardiovascular phenotype. Identifiers: MedGen CN230736.
Dilated cardiomyopathy 1KK (CMD1KK). Identifiers: Orphanet 154, Orphanet 75249, MedGen C3714995, MONDO:0014100, OMIM 615248.

Allele frequency attached by ClinVar (database versions not stated): gnomAD exomes below 0.00001 and 0.00001; gnomAD 0.00001.
gnomAD v4.1: 4 of 1,614,006 alleles (0.00025%); highest among the groups gnomAD compares: Admixed American, 0.005%; no homozygotes.

Submissions (3):

Labcorp Genetics (formerly Invitae), Labcorp
Classification: Uncertain significance for Dilated cardiomyopathy 1KK. Last evaluated: 2025-05-12. Review status: criteria provided, single submitter. Criteria: Invitae Variant Classification Sherloc (09022015). Collection method: clinical testing. Allele origin: germline.
Comment: This sequence change replaces arginine, which is basic and polar, with lysine, which is basic and polar, at codon 631 of the MYPN protein (p.Arg631Lys). This variant is present in population databases (no rsID available, gnomAD 0.006%). This variant has not been reported in the literature in individuals affected with MYPN-related conditions. ClinVar contains an entry for this variant (Variation ID: 379702). An algorithm developed to predict the effect of missense changes on protein structure and function outputs the following: PolyPhen-2: "Benign". The lysine amino acid residue is found in multiple mammalian species, which suggests that this missense change does not adversely affect protein function. In summary, the available evidence is currently insufficient to determine the role of this variant in disease. Therefore, it has been classified as a Variant of Uncertain Significance.

Ambry Genetics
Classification: Uncertain significance for Cardiovascular phenotype. Last evaluated: 2024-07-04. Review status: criteria provided, single submitter. Criteria: Ambry Variant Classification Scheme 2023. Collection method: clinical testing. Allele origin: germline.
Comment: The p.R631K variant (also known as c.1892G>A), located in coding exon 9 of the MYPN gene, results from a G to A substitution at nucleotide position 1892. The arginine at codon 631 is replaced by lysine, an amino acid with highly similar properties. This amino acid position is conserved. In addition, this alteration is predicted to be tolerated by in silico analysis. Based on the available evidence, the clinical significance of this variant remains unclear.

GeneDx
Classification: Uncertain significance. Last evaluated: 2020-02-20. Review status: criteria provided, single submitter. Criteria: GeneDx Variant Classification Process June 2021. Collection method: clinical testing. Allele origin: germline. Affected: yes.
Comment: Not observed at a significant frequency in large population cohorts (Lek et al., 2016); In silico analysis supports that this missense variant does not alter protein structure/function; Has not been previously published as pathogenic or benign to our knowledge

NM_032578.4(MYPN):c.1892G>A (p.Arg631Lys)

Gene: MYPN (myopalladin; plus strand). Cytogenetic location: 10q21.3.
Variant type: single nucleotide variant.
Coding change: c.1892G>A on transcript NM_032578.4 (MANE Select); coding-DNA position 1892, G replaced by A.
Protein change: p.Arg631Lys; replaces arginine 631 with lysine.
Molecular consequence: missense variant. On other transcripts: non-coding transcript variant (2).
Genome position (GRCh38, 1-based): chr10:68,166,585, G>A. VCF-style: chr10-68166585-G-A. GRCh37 (hg19) VCF-style: chr10-69926342-G-A.
Other names: c.1892G>A, p.Arg631Lys (NM_001256267.2); c.1010G>A, p.Arg337Lys (NM_001256268.2); c.1892G>A (NM_032578.2); short protein forms R631K, R337K.
Identifiers: ClinVar variation 379702 (VCV000379702.7), dbSNP rs1057520698, ClinGen allele CA16606036.